The following is an entry in ClinVar:

ClinVar aggregate classification (germline): Likely benign (1 of 4 stars; one submission).

Submission:

CeGaT Center for Human Genetics Tuebingen
Classification: Likely benign. Last evaluated: 2026-06-01. Review status: criteria provided, single submitter. Criteria: CeGaT Center For Human Genetics Tuebingen Variant Classification Criteria Version 2. Collection method: clinical testing. Allele origin: germline. Affected: yes. Observed: 1 variant allele.
Comment: ABCA13: PM2:Supporting, BP4, BP7

NM_152701.5(ABCA13):c.9801C>A (p.Pro3267=)

Gene: ABCA13 (ATP binding cassette subfamily A member 13; plus strand). Cytogenetic location: 7p12.3.
Variant type: single nucleotide variant.
Coding change: c.9801C>A on transcript NM_152701.5 (MANE Select); coding-DNA position 9801, C replaced by A.
Protein change: p.Pro3267=; no amino-acid change (proline 3267 retained).
Molecular consequence: synonymous variant.
Genome position (GRCh38, 1-based): chr7:48,314,351, C>A. VCF-style: chr7-48314351-C-A. GRCh37 (hg19) VCF-style: chr7-48353948-C-A.
Identifiers: ClinVar variation 4874161 (VCV004874161.2).